The following is an entry in ClinVar:

NM_000393.5(COL5A2):c.2769+2dup

Gene: COL5A2 (collagen type V alpha 2 chain; minus strand). Cytogenetic location: 2q32.2.
Variant type: Duplication.
Coding change: c.2769+2dup on transcript NM_000393.5 (MANE Select); the canonical splice donor site of the intron after coding-DNA position 2769, one base duplicated (T; older notation c.2769+2dupT).
Molecular consequence: splice donor variant.
Genome position (GRCh38, 1-based): chr2:189,052,170, A duplicated on the plus strand (T on the coding strand, the reverse complement: COL5A2 is on the minus strand). VCF-style (leftmost placement, unchanged base first): chr2-189052169-T-TA. GRCh37 (hg19) VCF-style: chr2-189916895-T-TA.
Identifiers: ClinVar variation 2769823 (VCV002769823.3), dbSNP rs2469259225, ClinGen allele CA2697551462.
Genomic context (GRCh38, chr2:189,052,169, plus strand): 5'-AAATGTATACGTGTGTGTGTAATTATTTCATTATCAGTGACTTGTCTCACTAAGTTGACT[T>TA]ACAGCAGGGCCTGGAGGTCCAACTCTGCCCGCAGAACCAGGAAATCCTGTAGCACCCTAG-3'

ClinVar aggregate classification (germline): Pathogenic (1 of 4 stars; one submission).

Conditions:
Ehlers-Danlos syndrome, classic type, 1 (EDSCL1). Also called: EHLERS-DANLOS SYNDROME, GRAVIS TYPE; EHLERS-DANLOS SYNDROME, SEVERE CLASSIC TYPE; Ehlers-Danlos syndrome, type 1; Ehlers-Danlos Syndrome, Classic Type, COL5A1-Related; EDS I. Identifiers: MedGen C0268335, MONDO:0019567, OMIM 130000.

Submission:

Labcorp Genetics (formerly Invitae), Labcorp
Classification: Pathogenic for Ehlers-Danlos syndrome, classic type, 1. Last evaluated: 2024-01-09. Review status: criteria provided, single submitter. Criteria: Invitae Variant Classification Sherloc (09022015). Collection method: clinical testing. Allele origin: germline.
Comment: This sequence change falls in intron 41 of the COL5A2 gene. It does not directly change the encoded amino acid sequence of the COL5A2 protein. It affects a nucleotide within the consensus splice site. This variant is not present in population databases (gnomAD no frequency). This variant has been observed in individual(s) with clinical features of Ehlers-Danlos syndrome (Invitae). In at least one individual the variant was observed to be de novo. Variants that disrupt the consensus splice site are a relatively common cause of aberrant splicing (PMID: 17576681, 9536098). Algorithms developed to predict the effect of sequence changes on RNA splicing suggest that this variant may disrupt the consensus splice site. For these reasons, this variant has been classified as Pathogenic.

Literature cited by the submitters: PubMed 17576681; PubMed 9536098.